The following is an entry in ClinVar:

NM_001318852.2(MAPK8IP3):c.79G>C (p.Glu27Gln)

Gene: MAPK8IP3 (mitogen-activated protein kinase 8 interacting protein 3; plus strand). Cytogenetic location: 16p13.3.
Variant type: single nucleotide variant.
Coding change: c.79G>C on transcript NM_001318852.2 (MANE Select); coding-DNA position 79, G replaced by C.
Protein change: p.Glu27Gln; replaces glutamic acid 27 with glutamine.
Molecular consequence: missense variant.
Genome position (GRCh38, 1-based): chr16:1,706,418, G>C. VCF-style: chr16-1706418-G-C. GRCh37 (hg19) VCF-style: chr16-1756419-G-C.
Other names: c.79G>C, p.Glu27Gln (NM_001040439.2, NM_015133.5); short protein forms E27Q.
Identifiers: ClinVar variation 4795718 (VCV004795718.1).

ClinVar aggregate classification (germline): Uncertain significance (1 of 4 stars; one submission).

gnomAD v4.1: 3 of 1,613,592 alleles (0.00019%); highest among the groups gnomAD compares: African/African-American, 0.0013%; no homozygotes.

Submission:

GeneDx
Classification: Uncertain significance. Last evaluated: 2025-08-11. Review status: criteria provided, single submitter. Criteria: GeneDx Variant Classification Process June 2021. Collection method: clinical testing. Allele origin: germline. Affected: yes.
Comment: In silico analysis suggests that this missense variant does not alter protein structure/function; Has not been previously published as pathogenic or benign to our knowledge